The following is an entry in ClinVar:

NM_002471.4(MYH6):c.4666G>A (p.Glu1556Lys)

Genes: MYH6 (myosin heavy chain 6; minus strand), LOC126861896 (BRD4-independent group 4 enhancer GRCh37_chr14:23854904-23856103; plus strand). Cytogenetic location: 14q11.2.
Variant type: single nucleotide variant.
Coding change: c.4666G>A on transcript NM_002471.4 (MANE Select); coding-DNA position 4666, G replaced by A.
Protein change: p.Glu1556Lys; replaces glutamic acid 1556 with lysine.
Molecular consequence: missense variant.
Genome position (GRCh38, 1-based): chr14:23,386,608, C>T on the plus strand (G>A on the coding strand, the complement: MYH6 is on the minus strand). VCF-style: chr14-23386608-C-T. GRCh37 (hg19) VCF-style: chr14-23855817-C-T.
Other names: short protein forms E1556K.
Identifiers: ClinVar variation 537962 (VCV000537962.16), dbSNP rs148582147, ClinGen allele CA7114671.

ClinVar aggregate classification (germline): Conflicting classifications of pathogenicity. Review status: criteria provided, conflicting classifications (1 of 4 stars). 6 submissions from 6 submitters: Uncertain significance (5); Likely benign (1). Last evaluated 2026-08-01.

Conditions:
Cardiovascular phenotype. Identifiers: MedGen CN230736.
Hypertrophic cardiomyopathy 14. Identifiers: MedGen C2750467, MONDO:0013197, OMIM 613251.
Atrial septal defect 3 (ASD3). Identifiers: Orphanet 1478, MedGen C3279790, MONDO:0013567, OMIM 614089.

Allele frequency attached by ClinVar (database versions not stated): gnomAD exomes 0.00003; gnomAD 0.00006 and 0.00007; ExAC 0.00008; ESP Exome Variant Server 0.00008; TOPMed 0.00009.

Submissions (6):

CeGaT Center for Human Genetics Tuebingen
Classification: Uncertain significance. Last evaluated: 2026-08-01. Review status: criteria provided, single submitter. Criteria: CeGaT Center For Human Genetics Tuebingen Variant Classification Criteria Version 2. Collection method: clinical testing. Allele origin: germline. Affected: yes. Observed: 1 variant allele.
Comment: MYH6: PP3

Labcorp Genetics (formerly Invitae), Labcorp
Classification: Uncertain significance for Hypertrophic cardiomyopathy 14. Last evaluated: 2026-01-26. Review status: criteria provided, single submitter. Criteria: Invitae Variant Classification Sherloc (09022015). Collection method: clinical testing. Allele origin: germline.
Comment: This sequence change replaces glutamic acid, which is acidic and polar, with lysine, which is basic and polar, at codon 1556 of the MYH6 protein (p.Glu1556Lys). This variant is present in population databases (rs148582147, gnomAD 0.03%), and has an allele count higher than expected for a pathogenic variant. This variant has not been reported in the literature in individuals affected with MYH6-related conditions. ClinVar contains an entry for this variant (Variation ID: 537962). Invitae Evidence Modeling of protein sequence and biophysical properties (such as structural, functional, and spatial information, amino acid conservation, physicochemical variation, residue mobility, and thermodynamic stability) indicates that this missense variant is expected to disrupt MYH6 protein function with a positive predictive value of 80%. In summary, the available evidence is currently insufficient to determine the role of this variant in disease. Therefore, it has been classified as a Variant of Uncertain Significance.

Women's Health and Genetics/Laboratory Corporation of America, LabCorp
Classification: Likely benign. Last evaluated: 2026-01-16. Review status: criteria provided, single submitter. Criteria: LabCorp Variant Classification Summary - May 2015. Collection method: clinical testing. Allele origin: germline.
Comment: Variant summary: MYH6 c.4666G>A (p.Glu1556Lys) results in a conservative amino acid change located in the Myosin tail domain (IPR002928) of the encoded protein sequence. Algorithms developed to predict the effect of missense changes on protein structure and function are either unavailable or do not agree on the potential impact of this missense change. The variant allele was found at a frequency of 3.4e-05 in 1458484 control chromosomes, predominantly at a frequency of 0.00023 within the Latino and African subpopulations in the gnomAD database. The observed variant frequency within these subpopulations in the gnomAD database exceeds the estimated maximal expected allele frequency for disease-causing variants in MYH6. These report(s) do not provide unequivocal conclusions about association of the variant with Cardiomyopathy. To our knowledge, no experimental evidence demonstrating an impact on protein function has been reported. The following publication has been ascertained in the context of this evaluation (PMID: 34930662). ClinVar contains an entry for this variant (Variation ID: 537962). Based on the evidence outlined above, the variant was classified as likely benign.

Ambry Genetics
Classification: Uncertain significance for Cardiovascular phenotype. Last evaluated: 2025-09-10. Review status: criteria provided, single submitter. Criteria: Ambry Variant Classification Scheme 2023. Collection method: clinical testing. Allele origin: germline.

ARUP Laboratories, Molecular Genetics and Genomics, ARUP Laboratories
Classification: Uncertain significance. Last evaluated: 2024-08-12. Review status: criteria provided, single submitter. Criteria: ARUP Molecular Germline Variant Investigation Process 2024. Collection method: clinical testing. Allele origin: germline.
Comment: The MYH6 c.4666G>A; p.Glu1556Lys variant (rs148582147), to our knowledge, is not reported in the medical literature in MYH6-related disorders but is reported in ClinVar (Variation ID: 537962). This variant is found in the general population with an overall allele frequency of 0.009% (24/280,660 alleles) in the Genome Aggregation Database (v2.1.1). Computational analyses predict that this variant is deleterious (REVEL: 0.807). However, given the lack of clinical and functional data, the significance of this variant is uncertain at this time.

HudsonAlpha Institute for Biotechnology
Classification: Uncertain significance for Atrial septal defect 3. Last evaluated: 2018-10-11. Review status: criteria provided, single submitter. Criteria: ACMG Guidelines, 2015. Collection method: research. Allele origin: unknown. Affected: yes. Observed: 1 variant allele. Study: CSER-SouthSeq.
Comment: ACMG codes: PP3, PP4

Literature cited by the submitters: PubMed 34930662 (cited by Women's Health and Genetics/Laboratory Corporation of America, LabCorp).